The following is an entry in ClinVar:

NM_000484.4(APP):c.1076G>A (p.Arg359Gln)

Gene: APP (amyloid beta precursor protein; minus strand). Cytogenetic location: 21q21.3.
Variant type: single nucleotide variant.
Coding change: c.1076G>A on transcript NM_000484.4 (MANE Select); coding-DNA position 1076, G replaced by A.
Protein change: p.Arg359Gln; replaces arginine 359 with glutamine.
Molecular consequence: missense variant. On other transcripts: intron variant (7).
Genome position (GRCh38, 1-based): chr21:25,997,374, C>T on the plus strand (G>A on the coding strand, the complement: APP is on the minus strand). VCF-style: chr21-25997374-C-T. GRCh37 (hg19) VCF-style: chr21-27369689-C-T.
Other names: c.908G>A, p.Arg303Gln (NM_001136130.3, NM_001385253.1); c.1076G>A, p.Arg359Gln (NM_001204301.2); c.761-14897G>A (NM_001136131.3); c.698-14897G>A (NM_001136129.3); c.866-14897G>A (NM_001204303.2, NM_201414.3); c.1033+2641G>A (NM_001204302.2, NM_201413.3); c.1018+2641G>A (NM_001136016.3); short protein forms R303Q, R359Q.
Identifiers: ClinVar variation 1418572 (VCV001418572.6), dbSNP rs1057524107, ClinGen allele CA409810812.

ClinVar aggregate classification (germline): Uncertain significance (1 of 4 stars; one submission).

Conditions:
Alzheimer disease. Also called: Presenile and senile dementia; Alzheimer's disease. Identifiers: Orphanet 1020, MedGen C0002395, MeSH D000544, MONDO:0004975, HP:0002511.

Allele frequency attached by ClinVar (database versions not stated): gnomAD 0.00001; TOPMed 0.00001.
gnomAD v4.1: 8 of 1,613,896 alleles (0.0005%); highest among the groups gnomAD compares: South Asian, 0.0033%; no homozygotes.

Submission:

Labcorp Genetics (formerly Invitae), Labcorp
Classification: Uncertain significance for Alzheimer disease. Last evaluated: 2021-08-19. Review status: criteria provided, single submitter. Criteria: Invitae Variant Classification Sherloc (09022015). Collection method: clinical testing. Allele origin: germline.
Comment: This variant is not present in population databases (ExAC no frequency). This variant has not been reported in the literature in individuals affected with APP-related conditions. Algorithms developed to predict the effect of missense changes on protein structure and function output the following: SIFT: "Tolerated"; PolyPhen-2: "Benign"; Align-GVGD: "Class C0". The glutamine amino acid residue is found in multiple mammalian species, which suggests that this missense change does not adversely affect protein function. In summary, the available evidence is currently insufficient to determine the role of this variant in disease. Therefore, it has been classified as a Variant of Uncertain Significance. This sequence change replaces arginine with glutamine at codon 359 of the APP protein (p.Arg359Gln). The arginine residue is weakly conserved and there is a small physicochemical difference between arginine and glutamine.